The following is an entry in ClinVar:

ClinVar aggregate classification (germline): Uncertain significance. Review status: criteria provided, multiple submitters, no conflicts (2 of 4 stars). 3 submissions from 3 submitters: Uncertain significance (3). Last evaluated 2026-02-13.

Conditions:
Hereditary cancer-predisposing syndrome. Also called: Hereditary Cancer Syndrome; Tumor predisposition; Neoplastic Syndromes, Hereditary; Hereditary neoplastic syndrome. Identifiers: Orphanet 140162, MedGen C0027672, MeSH D009386, MONDO:0015356.
Lymphangiomyomatosis (LAM). Also called: Lymphangioleiomyomatosis; Lymphangioleiomyomatosis, somatic. Identifiers: Orphanet 538, MedGen C0751674, MONDO:0011705, OMIM 606690.
Isolated focal cortical dysplasia type II (FCORD2). Also called: CORTICAL DYSPLASIA OF TAYLOR; Focal cortical dysplasia type II. Identifiers: Orphanet 268994, MedGen C1846385, MONDO:0011818, OMIM 607341, HP:0032051.
Tuberous sclerosis 2 (TSC2). Identifiers: Orphanet 805, MedGen C1860707, MONDO:0013199, OMIM 613254.

Allele frequency attached by ClinVar (database versions not stated): gnomAD exomes below 0.00001.
gnomAD v4.1: 2 of 1,612,794 alleles (0.00012%); highest among the groups gnomAD compares: Non-Finnish European, 0.00017%; no homozygotes.

Submissions (3):

Ambry Genetics
Classification: Uncertain significance for Hereditary cancer-predisposing syndrome. Last evaluated: 2026-02-13. Review status: criteria provided, single submitter. Criteria: Ambry Variant Classification Scheme 2023. Collection method: clinical testing. Allele origin: germline.
Comment: The c.5260-1G>A intronic variant results from a G to A substitution one nucleotide upstream from coding exon 41 of the TSC2 gene. This variant occurs at the 3' terminus of the gene, is not expected to trigger nonsense-mediated mRNA decay, and only impacts the last 2.9% of the protein. The exact functional effect of this variant is unknown. This nucleotide position is highly conserved in available vertebrate species. In silico splice site analysis predicts that this alteration will weaken the native splice acceptor site and may result in the creation or strengthening of a novel splice acceptor site. Based on the available evidence, the clinical significance of this variant remains unclear.

Fulgent Genetics
Classification: Uncertain significance for Lymphangiomyomatosis; Isolated focal cortical dysplasia type II; Tuberous sclerosis 2. Last evaluated: 2022-04-01. Review status: criteria provided, single submitter. Criteria: ACMG Guidelines, 2015. Collection method: clinical testing. Allele origin: unknown.

Labcorp Genetics (formerly Invitae), Labcorp
Classification: Uncertain significance for Tuberous sclerosis 2. Last evaluated: 2022-03-17. Review status: criteria provided, single submitter. Criteria: Invitae Variant Classification Sherloc (09022015). Collection method: clinical testing. Allele origin: germline.
Comment: In summary, the available evidence is currently insufficient to determine the role of this variant in disease. Therefore, it has been classified as a Variant of Uncertain Significance. Variants that disrupt the consensus splice site are a relatively common cause of aberrant splicing (PMID: 17576681, 9536098). Algorithms developed to predict the effect of sequence changes on RNA splicing suggest that this variant may disrupt the consensus splice site. ClinVar contains an entry for this variant (Variation ID: 825595). This variant has not been reported in the literature in individuals affected with TSC2-related conditions. This variant is not present in population databases (gnomAD no frequency). This sequence change affects an acceptor splice site in intron 41 of the TSC2 gene. While this variant is not anticipated to result in nonsense mediated decay, it likely alters RNA splicing and results in a disrupted protein product.

Literature cited by the submitters: PubMed 17576681 (cited by Labcorp Genetics (formerly Invitae), Labcorp); PubMed 9536098 (cited by Labcorp Genetics (formerly Invitae), Labcorp).

NM_000548.5(TSC2):c.5260-1G>A

Gene: TSC2 (TSC complex subunit 2; plus strand). Cytogenetic location: 16p13.3.
Variant type: single nucleotide variant.
Coding change: c.5260-1G>A on transcript NM_000548.5 (MANE Select); the canonical splice acceptor site of the intron before coding-DNA position 5260, G replaced by A.
Molecular consequence: splice acceptor variant.
Genome position (GRCh38, 1-based): chr16:2,088,445, G>A. VCF-style: chr16-2088445-G-A. GRCh37 (hg19) VCF-style: chr16-2138446-G-A.
Other names: c.5191-1G>A (NM_001114382.3); c.5257-1G>A (NM_001406663.1); c.5188-1G>A (NM_001406664.1); c.5131-1G>A (NM_021055.3); c.5119-1G>A (NM_001370405.1); c.5062-1G>A (NM_001363528.2); c.5182-1G>A (NM_001406665.1); c.5128-1G>A (NM_001370404.1); and 27 more.
Identifiers: ClinVar variation 825595 (VCV000825595.11), dbSNP rs1057518103, ClinGen allele CA394314998.